The following is an entry in ClinVar:

ClinVar aggregate classification (germline): Conflicting classifications of pathogenicity. Review status: criteria provided, conflicting classifications (1 of 4 stars). 5 submissions from 5 submitters: Uncertain significance (4); Likely benign (1). Last evaluated 2025-12-17.

Conditions:
Cardiovascular phenotype. Identifiers: MedGen CN230736.
Hereditary cancer-predisposing syndrome. Also called: Neoplastic Syndromes, Hereditary; Tumor predisposition; Hereditary Cancer Syndrome; Hereditary neoplastic syndrome. Identifiers: Orphanet 140162, MedGen C0027672, MeSH D009386, MONDO:0015356.
Neurofibromatosis-Noonan syndrome (NFNS). Also called: NEUROFIBROMATOSIS WITH NOONAN PHENOTYPE. Identifiers: Orphanet 638, MedGen C2931482, MONDO:0011035, OMIM 601321. Disease mechanism: loss of function.
Café-au-lait macules with pulmonary stenosis (WTSN). Also called: PULMONIC STENOSIS WITH CAFE-AU-LAIT SPOTS. Identifiers: MedGen C0553586, MONDO:0008672, OMIM 193520.
Neurofibromatosis, type 1 (NF1). Also called: VON RECKLINGHAUSEN DISEASE; NEUROFIBROMATOSIS, TYPE I, SOMATIC; Peripheral type neurofibromatosis; Neurofibromatosis, type I. Identifiers: Orphanet 636, MedGen C0027831, MONDO:0018975, OMIM 162200. Disease mechanism: loss of function.

Allele frequency attached by ClinVar (database versions not stated): gnomAD 0.00001; TOPMed 0.00001; ExAC 0.00002.
gnomAD v4.1: 7 of 1,613,772 alleles (0.00043%); highest among the groups gnomAD compares: Admixed American, 0.0033%; no homozygotes.

Submissions (5):

Labcorp Genetics (formerly Invitae), Labcorp
Classification: Likely benign for Neurofibromatosis, type 1. Last evaluated: 2025-12-17. Review status: criteria provided, single submitter. Criteria: Invitae Variant Classification Sherloc (09022015). Collection method: clinical testing. Allele origin: germline.

Molecular Pathology, Peter Maccallum Cancer Centre
Classification: Uncertain significance for Neurofibromatosis, type 1. Last evaluated: 2025-01-20. Review status: criteria provided, single submitter. Criteria: ACMG Guidelines, 2015. Collection method: clinical testing. Allele origin: germline. Inheritance: Autosomal dominant inheritance.

Blueprint Genetics
Classification: Uncertain significance. Last evaluated: 2022-04-19. Review status: criteria provided, single submitter. Criteria: ACMG Guidelines, 2015. Collection method: clinical testing. Allele origin: germline.

Ambry Genetics
Classification: Uncertain significance for Cardiovascular phenotype; Hereditary cancer-predisposing syndrome. Last evaluated: 2022-03-22. Review status: criteria provided, single submitter. Criteria: Ambry Variant Classification Scheme 2023. Collection method: clinical testing. Allele origin: germline.

Genome-Nilou Lab
Classification: Uncertain significance for Neurofibromatosis, type 1. Last evaluated: 2022-03-15. Review status: criteria provided, single submitter. Criteria: ACMG Guidelines, 2015. Collection method: clinical testing. Allele origin: germline. Affected: no.

NM_001042492.3(NF1):c.2689C>T (p.Arg897Trp)

Gene: NF1 (neurofibromin 1; plus strand). Cytogenetic location: 17q11.2.
Variant type: single nucleotide variant.
Coding change: c.2689C>T on transcript NM_001042492.3 (MANE Select); coding-DNA position 2689, C replaced by T.
Protein change: p.Arg897Trp; replaces arginine 897 with tryptophan.
Molecular consequence: missense variant.
Genome position (GRCh38, 1-based): chr17:31,229,304, C>T. VCF-style: chr17-31229304-C-T. GRCh37 (hg19) VCF-style: chr17-29556322-C-T.
Other names: c.2689C>T, p.Arg897Trp (NM_000267.4); short protein forms R897W.
Identifiers: ClinVar variation 404520 (VCV000404520.16), dbSNP rs775949348, ClinGen allele CA8486016.